The following is an entry in ClinVar:

NM_000092.5(COL4A4):c.72G>A (p.Trp24Ter)

Gene: COL4A4 (collagen type IV alpha 4 chain; minus strand). Cytogenetic location: 2q36.3.
Variant type: single nucleotide variant.
Coding change: c.72G>A on transcript NM_000092.5 (MANE Select); coding-DNA position 72, G replaced by A.
Protein change: p.Trp24Ter; replaces tryptophan 24 with a stop codon.
Molecular consequence: nonsense.
Genome position (GRCh38, 1-based): chr2:227,144,558, C>T on the plus strand (G>A on the coding strand, the complement: COL4A4 is on the minus strand). VCF-style: chr2-227144558-C-T. GRCh37 (hg19) VCF-style: chr2-228009274-C-T.
Other names: c.72G>A (NM_000092.4); short protein forms W24*.
Identifiers: ClinVar variation 1452841 (VCV001452841.7), dbSNP rs2125348371, ClinGen allele CA350842732.

ClinVar aggregate classification (germline): Pathogenic/Likely pathogenic. Review status: criteria provided, multiple submitters, no conflicts (2 of 4 stars). 2 submissions from 2 submitters: Pathogenic (1); Likely pathogenic (1). Last evaluated 2024-12-08.

Conditions:
Alport syndrome. Also called: Hemorrhagic familial nephritis; Hemorrhagic hereditary nephritis; Congenital hereditary hematuria. Identifiers: Orphanet 63, MedGen C1567741, MONDO:0018965.

gnomAD v4.1: 1 of 1,605,316 alleles (0.000062%); no homozygotes.

Submissions (2):

Natera, Inc.
Classification: Likely pathogenic for Alport syndrome. Last evaluated: 2024-12-08. Review status: criteria provided, single submitter. Criteria: Natera Variant Classification Schema (03/2026). Collection method: clinical testing. Allele origin: germline.
Comment: The c.72G>A variant in COL4A4 is a nonsense variant predicted to introduce a stop codon at amino acid 24. This variant is expected to result in nonsense mediated decay, truncation, or a dysfunctional protein product. This variant is rare in the general population with a frequency below the threshold expected for the associated phenotype(s). Given the available evidence, this variant is classified as Likely Pathogenic.

Labcorp Genetics (formerly Invitae), Labcorp
Classification: Pathogenic. Last evaluated: 2023-05-19. Review status: criteria provided, single submitter. Criteria: Invitae Variant Classification Sherloc (09022015). Collection method: clinical testing. Allele origin: germline.
Comment: This sequence change creates a premature translational stop signal (p.Trp24*) in the COL4A4 gene. It is expected to result in an absent or disrupted protein product. Loss-of-function variants in COL4A4 are known to be pathogenic (PMID: 21196518, 24854265, 25307543). This variant is not present in population databases (gnomAD no frequency). This variant has not been reported in the literature in individuals affected with COL4A4-related conditions. ClinVar contains an entry for this variant (Variation ID: 1452841). Algorithms developed to predict the effect of sequence changes on RNA splicing suggest that this variant may disrupt the consensus splice site. For these reasons, this variant has been classified as Pathogenic.

Literature cited by the submitters: PubMed 21196518 (cited by Labcorp Genetics (formerly Invitae), Labcorp); PubMed 24854265 (cited by Labcorp Genetics (formerly Invitae), Labcorp); PubMed 25307543 (cited by Labcorp Genetics (formerly Invitae), Labcorp).